The following is an entry in ClinVar:

NM_000132.4(F8):c.4757G>A (p.Trp1586Ter)

Gene: F8 (coagulation factor VIII; minus strand). Cytogenetic location: Xq28.
Variant type: single nucleotide variant.
Coding change: c.4757G>A on transcript NM_000132.4 (MANE Select); coding-DNA position 4757, G replaced by A.
Protein change: p.Trp1586Ter; replaces tryptophan 1586 with a stop codon.
Molecular consequence: nonsense.
Genome position (GRCh38, 1-based): chrX:154,929,033, C>T on the plus strand (G>A on the coding strand, the complement: F8 is on the minus strand). VCF-style: chrX-154929033-C-T. GRCh37 (hg19) VCF-style: chrX-154157308-C-T.
Other names: short protein forms W1586*.
Identifiers: ClinVar variation 2577753 (VCV002577753.2), dbSNP rs1297361897, ClinGen allele CA414916481.
Genomic context (GRCh38, chrX:154,929,033, plus strand): 5'-GGTGACTTCTCTTGGGATTTCCACTCTTCTTTTGGTATCTGAGTACCATAGTGGTTATCC[C>T]AAGCAAGAGGATCCAATAGCTTGGAGGGAGTCTTTGCAGAGCTTTCTGTTGCTACTCTCA-3'

ClinVar aggregate classification (germline): Pathogenic. Review status: criteria provided, multiple submitters, no conflicts (2 of 4 stars). 2 submissions from 2 submitters: Pathogenic (2). Last evaluated 2026-05-14.

Conditions:
Hereditary factor VIII deficiency disease (HEMA). Also called: AUTOSOMAL HEMOPHILIA A; Hemophilia A; Hemophilia A, congenital; HEM A; Factor 8 deficiency, congenital; HEMOPHILIA, CLASSIC. Identifiers: Orphanet 98878, MedGen C0019069, MONDO:0010602, OMIM 306700.

Allele frequency attached by ClinVar (database versions not stated): TOPMed 0.00001.

Submissions (2):

Women's Health and Genetics/Laboratory Corporation of America, LabCorp
Classification: Pathogenic for Hereditary factor VIII deficiency disease. Last evaluated: 2026-05-14. Review status: criteria provided, single submitter. Criteria: LabCorp Variant Classification Summary - May 2015. Collection method: clinical testing. Allele origin: germline.
Comment: Variant summary: F8 c.4757G>A (p.Trp1586X) results in a premature termination codon, predicted to cause a truncation of the encoded protein or absence of the protein due to nonsense mediated decay, which are commonly known mechanisms for disease. The variant was absent in 182531 control chromosomes. c.4757G>A has been observed in individual(s) affected with Factor VIII Deficiency (Hemophilia A) (example: Martorell_2020). At least one publication reports experimental evidence evaluating an impact on protein function. Specifically, fibroblasts from an individual with the variant of interest demonstrated a reduction in the mRNA level (~60%) compared to wild-type (example: Martorell_2020). The following publications has been ascertained in the context of this evaluation (PMID: 31197069). ClinVar contains an entry for this variant (Variation ID: 2577753). Based on the evidence outlined above, the variant was classified as pathogenic.

GeneDx
Classification: Pathogenic. Last evaluated: 2023-02-22. Review status: criteria provided, single submitter. Criteria: GeneDx Variant Classification Process June 2021. Collection method: clinical testing. Allele origin: germline. Affected: yes.
Comment: Nonsense variant predicted to result in protein truncation or nonsense mediated decay in a gene for which loss of function is a known mechanism of disease; Not observed at significant frequency in large population cohorts (gnomAD); This variant is associated with the following publications: (PMID: 25525159, 31197069, 32224444, 17610560, 26897466, 17901109, 11341489)

Literature cited by the submitters: PubMed 29296726 (cited by Women's Health and Genetics/Laboratory Corporation of America, LabCorp); PubMed 31197069 (cited by Women's Health and Genetics/Laboratory Corporation of America, LabCorp).